The following is an entry in ClinVar:

ClinVar aggregate classification (germline): Benign/Likely benign. Review status: criteria provided, multiple submitters, no conflicts (2 of 4 stars). 3 submissions from 3 submitters: Benign (1); Likely benign (2). Last evaluated 2020-02-12.

Submissions (3):

Women's Health and Genetics/Laboratory Corporation of America, LabCorp
Classification: Benign. Last evaluated: 2020-02-12. Review status: criteria provided, single submitter. Criteria: LabCorp Variant Classification Summary - May 2015. Collection method: clinical testing. Allele origin: germline. Inheritance: Autosomal dominant inheritance.
Comment: Variant summary: BRCA2 c.6938-25_6938-19delGTAATAT alters a nucleotide located close to a canonical splice site and therefore could affect mRNA splicing, leading to a significantly altered protein sequence. 4/4 computational tools predict no significant impact on normal splicing. However, these predictions have yet to be confirmed by functional studies. The variant allele was found at a frequency of 5.6e-05 in 230226 control chromosomes, predominantly at a frequency of 0.00077 within the East Asian subpopulation in the gnomAD database. This frequency is not significantly higher than expected for a pathogenic variant in BRCA2 causing Hereditary Breast and Ovarian Cancer (5.6e-05 vs 0.00075), allowing no conclusion about variant significance. c.6938-25_6938-19delGTAATAT has been reported in the literature as IVS12-25del7 in at-least one individual of Chinese ethnicity reportedly affected with benign breast disease (Suter_2004). This report does not provide unequivocal conclusions about association of the variant with Hereditary Breast and Ovarian Cancer. Since its previous evaluation as a likely benign variant at our laboratory, we have observed at-least two co-occurrences with other pathogenic variant(s) (BRCA1 c.1518delG , p.Arg507AspfsX25 and BRCA1 c.2800C>T, p.Gln934X) that could explain the phenotype in affected individuals, providing additional supporting evidence for a benign role.To our knowledge, no experimental evidence demonstrating an impact on protein function has been reported. Two clinical diagnostic laboratories have submitted clinical-significance assessments for this variant to ClinVar after 2014 without evidence for independent evaluation. All laboratories classified the variant as likely benign. Based on the evidence outlined above, the variant was re-classified as benign.

ARUP Laboratories, Molecular Genetics and Genomics, ARUP Laboratories
Classification: Likely benign. Last evaluated: 2019-04-16. Review status: criteria provided, single submitter. Criteria: ARUP Molecular Germline Variant Investigation Process. Collection method: clinical testing. Allele origin: germline.

GeneDx
Classification: Likely benign. Last evaluated: 2017-10-09. Review status: criteria provided, single submitter. Criteria: GeneDx Variant Classification (06012015). Collection method: clinical testing. Allele origin: germline. Affected: yes.
Comment: This variant is considered likely benign or benign based on one or more of the following criteria: it is a conservative change, it occurs at a poorly conserved position in the protein, it is predicted to be benign by multiple in silico algorithms, and/or has population frequency not consistent with disease.

Literature cited by the submitters: PubMed 14973102 (cited by Women's Health and Genetics/Laboratory Corporation of America, LabCorp).

NM_000059.4(BRCA2):c.6938-25_6938-19del

Gene: BRCA2 (BRCA2 DNA repair associated; plus strand). Cytogenetic location: 13q13.1.
Variant type: Deletion.
Coding change: c.6938-25_6938-19del on transcript NM_000059.4 (MANE Select); 25 bases into the intron before coding-DNA position 6938 through 19 bases into the intron before coding-DNA position 6938, 7 bases deleted (GTAATAT; older notation c.6938-25_6938-19delGTAATAT).
Molecular consequence: intron variant.
Genome position (GRCh38, 1-based): chr13:32,346,802-32,346,808, GTAATAT deleted; deleting any 7 consecutive bases within chr13:32,346,796-32,346,808 gives the same sequence; the c. name uses the placement nearest the transcript's 3' end. VCF-style (leftmost placement, unchanged base first): chr13-32346795-CTAATATG-C. GRCh37 (hg19) VCF-style: chr13-32920932-CTAATATG-C.
Other names: c.6938-25_6938-19delGTAATAT (NM_000059.3).
Identifiers: ClinVar variation 420655 (VCV000420655.10), dbSNP rs762815401, ClinGen allele CA6941025.